The following is an entry in ClinVar:

NM_005633.4(SOS1):c.3347-243del

Gene: SOS1 (SOS Ras/Rac guanine nucleotide exchange factor 1; minus strand). Cytogenetic location: 2p22.1.
Variant type: Deletion.
Coding change: c.3347-243del on transcript NM_005633.4 (MANE Select); 243 bases into the intron before coding-DNA position 3347, one base deleted (T; older notation c.3347-243delT).
Molecular consequence: intron variant.
Genome position (GRCh38, 1-based): chr2:38,989,557, A deleted on the plus strand (T on the coding strand, the reverse complement: SOS1 is on the minus strand); the first of 7 consecutive A bases (chr2:38,989,557-38,989,563); deleting any one gives the same sequence. VCF-style (leftmost placement, unchanged base first): chr2-38989556-TA-T. GRCh37 (hg19) VCF-style: chr2-39216697-TA-T.
Other names: c.3326-243del (NM_001382394.1); c.3347-1966del (NM_001382395.1); c.3347-243delT (NM_005633.3).
Identifiers: ClinVar variation 561358 (VCV000561358.1), dbSNP rs5830550, ClinGen allele CA45642866.

ClinVar aggregate classification (germline): Benign (1 of 4 stars; one submission).

Submission:

GeneDx
Classification: Benign. Last evaluated: 2018-06-14. Review status: criteria provided, single submitter. Criteria: GeneDx Variant Classification (06012015). Collection method: clinical testing. Allele origin: germline. Affected: yes.
Comment: This variant is considered likely benign or benign based on one or more of the following criteria: it is a conservative change, it occurs at a poorly conserved position in the protein, it is predicted to be benign by multiple in silico algorithms, and/or has population frequency not consistent with disease.